The following is an entry in ClinVar:

ClinVar aggregate classification (germline): Likely pathogenic (1 of 4 stars; one submission).

Conditions:
Dilated cardiomyopathy 1O (CMD1O). Also called: CARDIOMYOPATHY, DILATED, WITH VENTRICULAR TACHYCARDIA. Identifiers: Orphanet 154, MedGen C1837839, MONDO:0012062, OMIM 608569.

Allele frequency attached by ClinVar (database versions not stated): gnomAD exomes below 0.00001.
gnomAD v4.1: 2 of 1,610,390 alleles (0.00012%); highest among the groups gnomAD compares: Admixed American, 0.0017%; no homozygotes.

Submission:

Labcorp Genetics (formerly Invitae), Labcorp
Classification: Likely pathogenic for Dilated cardiomyopathy 1O. Last evaluated: 2025-12-02. Review status: criteria provided, single submitter. Criteria: Invitae Variant Classification Sherloc (09022015). Collection method: clinical testing. Allele origin: germline.
Comment: This sequence change affects an acceptor splice site in intron 36 of the ABCC9 gene. It is expected to disrupt RNA splicing. Variants that disrupt the donor or acceptor splice site typically lead to a loss of protein function (PMID: 16199547), and loss-of-function variants in ABCC9 are known to be pathogenic (PMID: 31575858, 38217872). This variant is not present in population databases (gnomAD no frequency). This variant has not been reported in the literature in individuals affected with ABCC9-related conditions. ClinVar contains an entry for this variant (Variation ID: 837050). Algorithms developed to predict the effect of sequence changes on RNA splicing suggest that this variant may disrupt the consensus splice site. In summary, the currently available evidence indicates that the variant is pathogenic, but additional data are needed to prove that conclusively. Therefore, this variant has been classified as Likely Pathogenic.

Literature cited by the submitters: PubMed 16199547; PubMed 31575858; PubMed 38217872.

NM_020297.4(ABCC9):c.4450-1G>A

Genes: ABCC9 (ATP binding cassette subfamily C member 9; minus strand), KCNJ8-AS1 (KCNJ8 antisense RNA 1; plus strand). Cytogenetic location: 12p12.1.
Variant type: single nucleotide variant.
Coding change: c.4450-1G>A on transcript NM_020297.4 (MANE Select); the canonical splice acceptor site of the intron before coding-DNA position 4450, G replaced by A.
Molecular consequence: splice acceptor variant.
Genome position (GRCh38, 1-based): chr12:21,806,061, C>T on the plus strand (G>A on the coding strand, the complement: ABCC9 is on the minus strand). VCF-style: chr12-21806061-C-T. GRCh37 (hg19) VCF-style: chr12-21958995-C-T.
Other names: c.3583-1G>A (NM_001377274.1); c.4450-1G>A (NM_005691.4, NM_001377273.1).
Identifiers: ClinVar variation 837050 (VCV000837050.8), dbSNP rs1941815245, ClinGen allele CA384130378.
Genomic context (GRCh38, chr12:21,806,061, plus strand): 5'-TATTGTCACCACGGTCCGGTCTGCAAAGGCTGTCATTACTACTTTTTGCAAAATATTCTC[C>T]TGCAAAAAAAAAAAAGTGTAAATTTTCTCGGGATTACTTTGTCATCATAATATTTTGCCC-3'